The following is an entry in ClinVar:

ClinVar aggregate classification (germline): Uncertain significance (1 of 4 stars; one submission).

Submission:

Ambry Genetics
Classification: Uncertain significance. Last evaluated: 2024-09-02. Review status: criteria provided, single submitter. Criteria: Ambry Variant Classification Scheme 2023. Collection method: clinical testing. Allele origin: germline.
Comment: The p.L860Q variant (also known as c.2579T>A), located in coding exon 4 of the ALPK2 gene, results from a T to A substitution at nucleotide position 2579. The leucine at codon 860 is replaced by glutamine, an amino acid with dissimilar properties. This amino acid position is conserved. In addition, the in silico prediction for this alteration is inconclusive. Based on the available evidence, the clinical significance of this variant remains unclear.

NM_052947.4(ALPK2):c.2579T>A (p.Leu860Gln)

Gene: ALPK2 (alpha kinase 2; minus strand). Cytogenetic location: 18q21.31.
Variant type: single nucleotide variant.
Coding change: c.2579T>A on transcript NM_052947.4 (MANE Select); coding-DNA position 2579, T replaced by A.
Protein change: p.Leu860Gln; replaces leucine 860 with glutamine.
Molecular consequence: missense variant.
Genome position (GRCh38, 1-based): chr18:58,537,608, A>T on the plus strand (T>A on the coding strand, the complement: ALPK2 is on the minus strand). VCF-style: chr18-58537608-A-T. GRCh37 (hg19) VCF-style: chr18-56204840-A-T.
Other names: short protein forms L860Q.
Identifiers: ClinVar variation 3531385 (VCV003531385.1).